The following is an entry in ClinVar:

ClinVar aggregate classification (germline): Uncertain significance (1 of 4 stars; one submission).

Allele frequency attached by ClinVar (database versions not stated): gnomAD exomes below 0.00001.
gnomAD v4.1: 2 of 1,614,232 alleles (0.00012%); highest among the groups gnomAD compares: Middle Eastern, 0.033%; no homozygotes.

Submission:

GeneDx
Classification: Uncertain significance. Last evaluated: 2022-11-17. Review status: criteria provided, single submitter. Criteria: GeneDx Variant Classification Process June 2021. Collection method: clinical testing. Allele origin: germline. Affected: yes.
Comment: Not observed at significant frequency in large population cohorts (gnomAD); In silico analysis supports that this missense variant does not alter protein structure/function; Has not been previously published as pathogenic or benign to our knowledge

NM_004998.4(MYO1E):c.1019A>G (p.His340Arg)

Gene: MYO1E (myosin IE; minus strand). Cytogenetic location: 15q22.2.
Variant type: single nucleotide variant.
Coding change: c.1019A>G on transcript NM_004998.4 (MANE Select); coding-DNA position 1019, A replaced by G.
Protein change: p.His340Arg; replaces histidine 340 with arginine.
Molecular consequence: missense variant.
Genome position (GRCh38, 1-based): chr15:59,217,979, T>C on the plus strand (A>G on the coding strand, the complement: MYO1E is on the minus strand). VCF-style: chr15-59217979-T-C. GRCh37 (hg19) VCF-style: chr15-59510178-T-C.
Other names: short protein forms H340R.
Identifiers: ClinVar variation 2502729 (VCV002502729.1), dbSNP rs2079930110, ClinGen allele CA392650790.